The following is an entry in ClinVar:

ClinVar aggregate classification (germline): Likely benign. Review status: criteria provided, single submitter (1 of 4 stars). 2 submissions from 2 submitters: Likely benign (1). 1 of the submissions does not count toward it. Last evaluated 2023-10-06.

Conditions:
PCNT-related disorder. Also called: PCNT-related condition.

Allele frequency attached by ClinVar (database versions not stated): gnomAD 0.00001; TOPMed 0.00001; ExAC 0.00002; gnomAD exomes 0.00002 and 0.00004.
gnomAD v4.1: 11 of 1,614,044 alleles (0.00068%); highest among the groups gnomAD compares: Admixed American, 0.018%; no homozygotes.

Submissions (2):

Labcorp Genetics (formerly Invitae), Labcorp
Classification: Likely benign. Last evaluated: 2023-10-06. Review status: criteria provided, single submitter. Criteria: Invitae Variant Classification Sherloc (09022015). Collection method: clinical testing. Allele origin: germline.

PreventionGenetics, part of Exact Sciences
Classification: Likely benign for PCNT-related condition. Last evaluated: 2023-02-03. Review status: no assertion criteria provided. Collection method: clinical testing. Allele origin: germline. Not counted in ClinVar's aggregate classification.
Comment: This variant is classified as likely benign based on ACMG/AMP sequence variant interpretation guidelines (Richards et al. 2015 PMID: 25741868, with internal and published modifications).

NM_006031.6(PCNT):c.7848C>T (p.Ser2616=)

Gene: PCNT (pericentrin; plus strand). Cytogenetic location: 21q22.3.
Variant type: single nucleotide variant.
Coding change: c.7848C>T on transcript NM_006031.6 (MANE Select); coding-DNA position 7848, C replaced by T.
Protein change: p.Ser2616=; no amino-acid change (serine 2616 retained).
Molecular consequence: synonymous variant.
Genome position (GRCh38, 1-based): chr21:46,430,167, C>T. VCF-style: chr21-46430167-C-T. GRCh37 (hg19) VCF-style: chr21-47850081-C-T.
Other names: c.7848C>T (NM_006031.5); c.7494C>T, p.Ser2498= (NM_001315529.2).
Identifiers: ClinVar variation 1502910 (VCV001502910.7), dbSNP rs759569235, ClinGen allele CA10080803.
Genomic context (GRCh38, chr21:46,430,167, plus strand): 5'-GAAGCTCCTGGCGGCGGAGCAGACTGTAGTGCGAGATTTGAAGTCCGACCTCTGTGAGAG[C>T]AGGCAGAAGAGCGAACAGCTGTCCCGGTCCCTCTGCGAGGTGCAGCAGGAGGTCCTCCAG-3'
Protein context (NP_006022.3, residues 2606-2626): VRDLKSDLCE[Ser2616=]RQKSEQLSRS